The following is an entry in ClinVar:

NM_001098.3(ACO2):c.302C>T (p.Ala101Val)

Gene: ACO2 (aconitase 2; plus strand). Cytogenetic location: 22q13.2.
Variant type: single nucleotide variant.
Coding change: c.302C>T on transcript NM_001098.3 (MANE Select); coding-DNA position 302, C replaced by T.
Protein change: p.Ala101Val; replaces alanine 101 with valine.
Molecular consequence: missense variant.
Genome position (GRCh38, 1-based): chr22:41,507,919, C>T. VCF-style: chr22-41507919-C-T. GRCh37 (hg19) VCF-style: chr22-41903923-C-T.
Other names: short protein forms A101V.
Identifiers: ClinVar variation 1021243 (VCV001021243.8), dbSNP rs1389336695, ClinGen allele CA411713505.

ClinVar aggregate classification (germline): Uncertain significance (1 of 4 stars; one submission).

gnomAD v4.1: 1 of 1,614,242 alleles (0.000062%); highest among the groups gnomAD compares: East Asian, 0.0022%; no homozygotes.

Submission:

Labcorp Genetics (formerly Invitae), Labcorp
Classification: Uncertain significance. Last evaluated: 2022-10-09. Review status: criteria provided, single submitter. Criteria: Invitae Variant Classification Sherloc (09022015). Collection method: clinical testing. Allele origin: germline.
Comment: In summary, the available evidence is currently insufficient to determine the role of this variant in disease. Therefore, it has been classified as a Variant of Uncertain Significance. Algorithms developed to predict the effect of sequence changes on RNA splicing suggest that this variant may create or strengthen a splice site. Advanced modeling of protein sequence and biophysical properties (such as structural, functional, and spatial information, amino acid conservation, physicochemical variation, residue mobility, and thermodynamic stability) performed at Invitae indicates that this missense variant is not expected to disrupt ACO2 protein function. ClinVar contains an entry for this variant (Variation ID: 1021243). This missense change has been observed in individual(s) with clinical features of ACO2-related conditions (PMID: 29302074). This variant is not present in population databases (gnomAD no frequency). This sequence change replaces alanine, which is neutral and non-polar, with valine, which is neutral and non-polar, at codon 101 of the ACO2 protein (p.Ala101Val).

Literature cited by the submitters: PubMed 29302074.